The following is an entry in ClinVar:

NM_014780.5(CUL7):c.5024C>T (p.Thr1675Ile)

Gene: CUL7 (cullin 7; minus strand). Cytogenetic location: 6p21.1.
Variant type: single nucleotide variant.
Coding change: c.5024C>T on transcript NM_014780.5 (MANE Select); coding-DNA position 5024, C replaced by T.
Protein change: p.Thr1675Ile; replaces threonine 1675 with isoleucine.
Molecular consequence: missense variant.
Genome position (GRCh38, 1-based): chr6:43,037,761, G>A on the plus strand (C>T on the coding strand, the complement: CUL7 is on the minus strand). VCF-style: chr6-43037761-G-A. GRCh37 (hg19) VCF-style: chr6-43005499-G-A.
Other names: c.5120C>T, p.Thr1707Ile (NM_001168370.2, NM_001374872.1); c.5036C>T, p.Thr1679Ile (NM_001374873.1); c.5021C>T, p.Thr1674Ile (NM_001374874.1); short protein forms T1674I, T1675I, T1679I, T1707I.
Identifiers: ClinVar variation 4741629 (VCV004741629.1).

ClinVar aggregate classification (germline): Uncertain significance (1 of 4 stars; one submission).

Submission:

Labcorp Genetics (formerly Invitae), Labcorp
Classification: Uncertain significance. Last evaluated: 2025-10-01. Review status: criteria provided, single submitter. Criteria: Invitae Variant Classification Sherloc (09022015). Collection method: clinical testing. Allele origin: germline.
Comment: This sequence change replaces threonine, which is neutral and polar, with isoleucine, which is neutral and non-polar, at codon 1675 of the CUL7 protein (p.Thr1675Ile). This variant is not present in population databases (gnomAD no frequency). This variant has not been reported in the literature in individuals affected with CUL7-related conditions. An algorithm developed to predict the effect of missense changes on protein structure and function (PolyPhen-2) suggests that this variant is likely to be disruptive. In summary, the available evidence is currently insufficient to determine the role of this variant in disease. Therefore, it has been classified as a Variant of Uncertain Significance.